The following is an entry in ClinVar:

ClinVar aggregate classification (germline): Uncertain significance. Review status: criteria provided, multiple submitters, no conflicts (2 of 4 stars). 12 submissions from 12 submitters: Uncertain significance (12). Last evaluated 2026-03-04.

Conditions:
BARD1-related cancer predisposition. Identifiers: MedGen CN377756, MONDO:0700267.
BARD1-related disorder. Also called: BARD1-related condition.
Hereditary cancer-predisposing syndrome. Also called: Tumor predisposition; Neoplastic Syndromes, Hereditary; Hereditary neoplastic syndrome; Hereditary Cancer Syndrome. Identifiers: Orphanet 140162, MedGen C0027672, MeSH D009386, MONDO:0015356.
Familial cancer of breast. Also called: BREAST CANCER, FAMILIAL; Hereditary breast cancer; hereditary breast carcinoma. Identifiers: Orphanet 227535, MedGen C0346153, MONDO:0016419, OMIM 114480. Disease mechanism: loss of function.

Allele frequency attached by ClinVar (database versions not stated): gnomAD 0.00002 and 0.00003; gnomAD exomes 0.00002 and 0.00003; ExAC 0.00003; TOPMed 0.00003.
gnomAD v4.1: 37 of 1,613,798 alleles (0.0023%); highest among the groups gnomAD compares: Middle Eastern, 0.016%; no homozygotes.

Submissions (12):

Dasa
Classification: Uncertain significance. Last evaluated: 2026-03-04. Review status: criteria provided, single submitter. Criteria: DASA Assertion Criteria. Collection method: clinical testing. Allele origin: germline.
Comment: NM_000465.4(BARD1):c.1693C>T (p.Arg565Cys) is a missense variant that results in the substitution of arginine with cysteine. This variant is rare in population databases. The currently available literature and clinical evidence are not sufficient to establish a definitive association between this variant and the reported condition. Therefore, this variant is classified as a variant of uncertain significance.

Labcorp Genetics (formerly Invitae), Labcorp
Classification: Uncertain significance for Familial cancer of breast. Last evaluated: 2025-12-17. Review status: criteria provided, single submitter. Criteria: Invitae Variant Classification Sherloc (09022015). Collection method: clinical testing. Allele origin: germline.
Comment: This sequence change replaces arginine, which is basic and polar, with cysteine, which is neutral and slightly polar, at codon 565 of the BARD1 protein (p.Arg565Cys). This variant is present in population databases (rs587782279, gnomAD 0.01%). This missense change has been observed in individual(s) with breast cancer and/or pancreatic cancer (PMID: 28726808; internal data). It has also been observed to segregate with disease in related individuals. ClinVar contains an entry for this variant (Variation ID: 142170). An algorithm developed to predict the effect of missense changes on protein structure and function (PolyPhen-2) suggests that this variant is likely to be disruptive. Experimental studies have shown that this missense change affects BARD1 function (PMID: 30925164, 39387837). In summary, the available evidence is currently insufficient to determine the role of this variant in disease. Therefore, it has been classified as a Variant of Uncertain Significance.

PreventionGenetics, part of Exact Sciences
Classification: Uncertain significance for BARD1-related condition. Last evaluated: 2025-12-02. Review status: criteria provided, single submitter. Criteria: ACMG Guidelines, 2015. Collection method: clinical testing. Allele origin: germline.
Comment: The BARD1 c.1693C>T variant is predicted to result in the amino acid substitution p.Arg565Cys. This variant has been reported with uncertain significance in a study of individuals with pancreatic cancer (Supplemental Table 2, Chaffee et al. 2018. PubMed ID: 28726808). This variant has also been reported in two prospective index cases who may or may not be affected by cancer, however they had first- or second-degree relatives or cousins that are affected with breast and/or ovarian cancer (Table S3, Lesueur et al. 2021. PubMed ID: 34359559). In addition, this variant was reported in five individuals with breast cancer and was also found in a control population (Supplementary Files, Breast Cancer Association Consortium et al. 2021. PubMed ID: 33471991). An experimental study using a homology-directed repair (HDR) assay showed that this variant had intermediate activity (Table S1, Adamovich et al. 2019. PubMed ID: PMID: 30925164). This variant is reported in 0.0098% of alleles in individuals of South Asian descent in gnomAD and is reported as a variant of uncertain significance in ClinVar (Variation ID: 142170). At this time, the clinical significance of this variant is uncertain due to the absence of conclusive functional and genetic evidence.

Ambry Genetics
Classification: Uncertain significance for Hereditary cancer-predisposing syndrome. Last evaluated: 2025-10-02. Review status: criteria provided, single submitter. Criteria: Ambry Variant Classification Scheme 2023. Collection method: clinical testing. Allele origin: germline.
Comment: The p.R565C variant (also known as c.1693C>T), located in exon 8 of the BARD1 gene, results from a C to T substitution at nucleotide position 1693. The arginine at codon 565 is replaced by cysteine, an amino acid with highly dissimilar properties. This alteration was found to have intermediate activity in a homology-directed DNA repair (HDR) assay (Adamovich AI et al. PLoS Genet. 2019 03;15(3):e1008049). This amino acid position is well conserved in available vertebrate species. In addition, the in silico prediction for this alteration is inconclusive. Based on the available evidence, the clinical significance of this variant remains unclear.

Quest Diagnostics Nichols Institute San Juan Capistrano
Classification: Uncertain significance. Last evaluated: 2025-08-15. Review status: criteria provided, single submitter. Criteria: Quest Diagnostics criteria. Collection method: clinical testing. Allele origin: unknown.
Comment: The BARD1 c.1693C>T (p.Arg565Cys) variant has been reported in individuals at-risk of breast/ovarian cancer (PMID: 34359559 (2021)) and pancreatic ductal adenocarcinoma (PMID: 28726808 (2018)). An additional study reported the variant in individuals with breast cancer and reportedly unaffected individuals (PMID: 33471991 (2021), see also LOVD). A functional study suggests that the variant results in reduced HDR activity (PMID: 30925164 (2019)). The frequency of this variant in the general population (Genome Aggregation Database) is uninformative in the assessment of its pathogenicity. Analysis of this variant using bioinformatics tools for the prediction of the effect of amino acid changes on protein structure and function yielded predictions that this variant is damaging. Based on the available information, we are unable to determine the clinical significance of this variant.

Molecular Pathology, Peter Maccallum Cancer Centre
Classification: Uncertain significance for BARD1-related cancer predisposition. Last evaluated: 2024-05-20. Review status: criteria provided, single submitter. Criteria: ACMG Guidelines, 2015. Collection method: clinical testing. Allele origin: germline. Inheritance: Autosomal dominant inheritance.

Baylor Genetics
Classification: Uncertain significance for Familial cancer of breast. Last evaluated: 2024-03-21. Review status: criteria provided, single submitter. Criteria: ACMG Guidelines, 2015. Collection method: clinical testing. Allele origin: unknown.

Color Diagnostics, LLC DBA Color Health
Classification: Uncertain significance for Hereditary cancer-predisposing syndrome. Last evaluated: 2023-10-27. Review status: criteria provided, single submitter. Criteria: ACMG Guidelines, 2015. Collection method: clinical testing. Allele origin: germline.
Comment: This missense variant replaces arginine with cysteine at codon 565 of the BARD1 protein. Computational prediction suggests that this variant may not impact protein structure and function (internally defined REVEL score threshold <= 0.5, PMID: 27666373). A functional study has reported that this variant results in ~50% decrease in BARD1 homology-directed DNA repair activity compared to wild type protein (PMID: 30925164). This variant has been detected in a breast cancer case-control meta-analysis in 5/60463 cases and 1/53461 unaffected individuals (PMID: 33471991; Leiden Open Variation Database DB-ID BARD1_000185) and also reported in an individual affected with pancreatic cancer and in two suspected hereditary breast and ovarian cancer families (PMID: 28726808, 34359559). This variant has been identified in 8/251308 chromosomes in the general population by the Genome Aggregation Database (gnomAD). The available evidence is insufficient to determine the role of this variant in disease conclusively. Therefore, this variant is classified as a Variant of Uncertain Significance.

Institute of Human Genetics, University of Leipzig Medical Center
Classification: Uncertain significance for Familial cancer of breast. Last evaluated: 2023-06-13. Review status: criteria provided, single submitter. Criteria: ACMG Guidelines, 2015. Collection method: clinical testing. Allele origin: unknown. Inheritance: Autosomal unknown. Affected: yes.
Comment: Criteria applied: PS3_MOD,PM2_SUP

GeneDx
Classification: Uncertain significance. Last evaluated: 2023-06-06. Review status: criteria provided, single submitter. Criteria: GeneDx Variant Classification Process June 2021. Collection method: clinical testing. Allele origin: germline. Affected: yes.
Comment: In silico analysis supports that this missense variant has a deleterious effect on protein structure/function; Published functional studies demonstrate reduced homology-directed DNA repair activity compared to wild type (Adamovich et al., 2019); Observed in an individual with a personal and family history of pancreatic cancer (Chaffee et al., 2018); This variant is associated with the following publications: (PMID: 18842000, 30925164, 28726808)

Women's Health and Genetics/Laboratory Corporation of America, LabCorp
Classification: Uncertain significance. Last evaluated: 2022-07-07. Review status: criteria provided, single submitter. Criteria: LabCorp Variant Classification Summary - May 2015. Collection method: clinical testing. Allele origin: germline.
Comment: Variant summary: BARD1 c.1693C>T (p.Arg565Cys) results in a non-conservative amino acid change located in the BRCT domain of the encoded protein sequence. Five of five in-silico tools predict a damaging effect of the variant on protein function. The variant allele was found at a frequency of 3.2e-05 in 251308 control chromosomes. The available data on variant occurrences in the general population are insufficient to allow any conclusion about variant significance. c.1693C>T has been reported in the literature in individuals affected with Pancreatic Cancer. This report does not provide unequivocal conclusions about association of the variant with Hereditary Breast And Ovarian Cancer Syndrome (Chaffee_2017). At least one publication reports experimental evidence evaluating an impact on protein function. The most pronounced variant effect results in about 50% of normal activity (Adamovich_2019). Seven clinical diagnostic laboratories have submitted clinical-significance assessments for this variant to ClinVar after 2014 without evidence for independent evaluation. All laboratories classified the variant as uncertain significance. Based on the evidence outlined above, the variant was classified as uncertain significance.

Institute for Clinical Genetics, University Hospital TU Dresden, University Hospital TU Dresden
Classification: Uncertain significance. Last evaluated: 2021-11-03. Review status: criteria provided, single submitter. Criteria: ACMG Guidelines, 2015. Collection method: clinical testing. Allele origin: germline.

Literature cited by the submitters: PubMed 28726808 (cited by 5 submitters); PubMed 30925164 (cited by 5 submitters); PubMed 39387837 (cited by Labcorp Genetics (formerly Invitae), Labcorp and Ambry Genetics); PubMed 34359559 (cited by Quest Diagnostics Nichols Institute San Juan Capistrano and Color Diagnostics, LLC DBA Color Health); PubMed 33471991 (cited by Quest Diagnostics Nichols Institute San Juan Capistrano and Color Diagnostics, LLC DBA Color Health).

NM_000465.4(BARD1):c.1693C>T (p.Arg565Cys)

Gene: BARD1 (BRCA1 associated RING domain 1; minus strand). Cytogenetic location: 2q35.
Variant type: single nucleotide variant.
Coding change: c.1693C>T on transcript NM_000465.4 (MANE Select); coding-DNA position 1693, C replaced by T.
Protein change: p.Arg565Cys; replaces arginine 565 with cysteine.
Molecular consequence: missense variant. On other transcripts: non-coding transcript variant (3), intron variant (1).
Genome position (GRCh38, 1-based): chr2:214,745,839, G>A on the plus strand (C>T on the coding strand, the complement: BARD1 is on the minus strand). VCF-style: chr2-214745839-G-A. GRCh37 (hg19) VCF-style: chr2-215610563-G-A.
Other names: c.1636C>T, p.Arg546Cys (NM_001282543.2); c.340C>T, p.Arg114Cys (NM_001282545.2); c.283C>T, p.Arg95Cys (NM_001282548.2); c.365-15331C>T (NM_001282549.2); short protein forms R565C, R546C, R95C, R114C.
Identifiers: ClinVar variation 142170 (VCV000142170.54), dbSNP rs587782279, ClinGen allele CA167664.